The following is an entry in ClinVar:

ClinVar aggregate classification (germline): Pathogenic (1 of 4 stars; one submission).

Conditions:
Glycogen storage disease, type II (IOPD). Also called: Pompe Disease; CARDIOMEGALIA GLYCOGENICA DIFFUSA; GLYCOGENOSIS, GENERALIZED, CARDIAC FORM; GSD II; POMPE DISEASE, INFANTILE-ONSET; GLYCOGEN STORAGE DISEASE II, INFANTILE-ONSET. Identifiers: Orphanet 365, MedGen C0017921, MONDO:0009290, OMIM 232300.

Submission:

Genomenon, Inc
Classification: Pathogenic for Glycogen storage disease, type II. Last evaluated: 2026-07-01. Review status: criteria provided, single submitter. Criteria: Genomenon Sequence Variant Interpretation Standards - Updated. Collection method: curation. Allele origin: germline.
Comment: GAA c.2190-345A>G is an intronic variant located in intron 15. This variant has been reported in the compound heterozygous and/or homozygous state in an individual without a confirmed diagnosis of Pompe disease (PMID:27623443). At least one splicing study has demonstrated that this variant results in aberrant splicing (PMID:27623443). It is absent or not present at a significant frequency in gnomAD. In conclusion, we classify GAA c.2190-345A>G as a pathogenic variant.

Literature cited by the submitters: PubMed 27623443.

NM_000152.5(GAA):c.2190-345A>G

Gene: GAA (alpha glucosidase; plus strand). Cytogenetic location: 17q25.3.
Variant type: single nucleotide variant.
Coding change: c.2190-345A>G on transcript NM_000152.5 (MANE Select); 345 bases into the intron before coding-DNA position 2190, A replaced by G.
Molecular consequence: intron variant.
Genome position (GRCh38, 1-based): chr17:80,116,623, A>G. VCF-style: chr17-80116623-A-G. GRCh37 (hg19) VCF-style: chr17-78090422-A-G.
Other names: c.2190-345A>G (NM_001079803.3, NM_001079804.3, NM_001406741.1 and 1 more transcripts).
Identifiers: ClinVar variation 4876375 (VCV004876375.1).